The following is an entry in ClinVar:

NM_004239.4(TRIP11):c.5555A>G (p.Gln1852Arg)

Gene: TRIP11 (thyroid hormone receptor interactor 11; minus strand). Cytogenetic location: 14q32.12.
Variant type: single nucleotide variant.
Coding change: c.5555A>G on transcript NM_004239.4 (MANE Select); coding-DNA position 5555, A replaced by G.
Protein change: p.Gln1852Arg; replaces glutamine 1852 with arginine.
Molecular consequence: missense variant.
Genome position (GRCh38, 1-based): chr14:91,974,646, T>C on the plus strand (A>G on the coding strand, the complement: TRIP11 is on the minus strand). VCF-style: chr14-91974646-T-C. GRCh37 (hg19) VCF-style: chr14-92440990-T-C.
Other names: c.5552A>G, p.Gln1851Arg (NM_001321851.1); short protein forms Q1851R, Q1852R.
Identifiers: ClinVar variation 2065108 (VCV002065108.4), dbSNP rs1006565011, ClinGen allele CA265636939.

ClinVar aggregate classification (germline): Uncertain significance (1 of 4 stars; one submission).

Conditions:
Achondrogenesis, type IA (ACG1A). Identifiers: Orphanet 932, Orphanet 93299, MedGen C0265273, MONDO:0008701, OMIM 200600.

Allele frequency attached by ClinVar (database versions not stated): gnomAD exomes 0.00001.

Submission:

Labcorp Genetics (formerly Invitae), Labcorp
Classification: Uncertain significance for Achondrogenesis, type IA. Last evaluated: 2022-05-08. Review status: criteria provided, single submitter. Criteria: Invitae Variant Classification Sherloc (09022015). Collection method: clinical testing. Allele origin: germline.
Comment: This sequence change replaces glutamine, which is neutral and polar, with arginine, which is basic and polar, at codon 1852 of the TRIP11 protein (p.Gln1852Arg). This variant is present in population databases (no rsID available, gnomAD 0.006%). This variant has not been reported in the literature in individuals affected with TRIP11-related conditions. Algorithms developed to predict the effect of missense changes on protein structure and function are either unavailable or do not agree on the potential impact of this missense change (SIFT: "Not Available"; PolyPhen-2: "Probably Damaging"; Align-GVGD: "Not Available"). In summary, the available evidence is currently insufficient to determine the role of this variant in disease. Therefore, it has been classified as a Variant of Uncertain Significance.